The following is an entry in ClinVar:

NM_006767.4(LZTR1):c.722_725del (p.Phe241fs)

Gene: LZTR1 (leucine zipper like post translational regulator 1; plus strand). Cytogenetic location: 22q11.21.
Variant type: Deletion.
Coding change: c.722_725del on transcript NM_006767.4 (MANE Select); coding-DNA positions 722 to 725, 4 bases deleted (TTGT; older notation c.722_725delTTGT).
Protein change: p.Phe241fs; shifts the reading frame from phenylalanine 241.
Molecular consequence: frameshift variant.
Genome position (GRCh38, 1-based): chr22:20,990,456-20,990,459, TTGT deleted; deleting any 4 consecutive bases within chr22:20,990,453-20,990,459 gives the same sequence; the c. name uses the placement nearest the transcript's 3' end. VCF-style (leftmost placement, unchanged base first): chr22-20990452-ATGTT-A. GRCh37 (hg19) VCF-style: chr22-21344741-ATGTT-A.
Other names: short protein forms F241fs.
Identifiers: ClinVar variation 3238334 (VCV003238334.1), dbSNP rs2518615786.

ClinVar aggregate classification (germline): Pathogenic (1 of 4 stars; one submission).

Conditions:
Hereditary cancer-predisposing syndrome. Also called: Neoplastic Syndromes, Hereditary; Tumor predisposition; Hereditary neoplastic syndrome; Hereditary Cancer Syndrome. Identifiers: Orphanet 140162, MedGen C0027672, MeSH D009386, MONDO:0015356.
Cardiovascular phenotype. Identifiers: MedGen CN230736.

Submission:

Ambry Genetics
Classification: Pathogenic for Cardiovascular phenotype; Hereditary cancer-predisposing syndrome. Last evaluated: 2023-04-10. Review status: criteria provided, single submitter. Criteria: Ambry Variant Classification Scheme 2023. Collection method: clinical testing. Allele origin: germline.
Comment: The c.722_725delTTGT variant, located in coding exon 8 of the LZTR1 gene, results from a deletion of 4 nucleotides at nucleotide positions 722 to 725, causing a translational frameshift with a predicted alternate stop codon (p.F241Yfs*10). This alteration is expected to result in loss of function by premature protein truncation or nonsense-mediated mRNA decay. Loss-of-function variants in LZTR1 are related to an increased risk for schwannomas and autosomal recessive Noonan syndrome; however, such associations with autosomal dominant Noonan syndrome have not been observed (Piotrowski A et al. Nat Genet. 2014 Feb;46:182-7; Yamamoto GL et al. J Med Genet. 2015 Jun;52:413-21; Johnston JJ et al. Genet Med. 2018 10;20:1175-1185). Based on the supporting evidence, this variant is pathogenic for an increased risk of LZTR1-related schwannomatosis (SWN) and would be expected to cause autosomal recessive Noonan syndrome when present along with a second pathogenic or likely pathogenic variant on the other allele; however, the association of this alteration with autosomal dominant Noonan syndrome is unlikely.